The following is an entry in ClinVar:

NM_024642.5(GALNT12):c.331A>G (p.Ile111Val)

Gene: GALNT12 (polypeptide N-acetylgalactosaminyltransferase 12; plus strand). Cytogenetic location: 9q22.33.
Variant type: single nucleotide variant.
Coding change: c.331A>G on transcript NM_024642.5 (MANE Select); coding-DNA position 331, A replaced by G.
Protein change: p.Ile111Val; replaces isoleucine 111 with valine.
Molecular consequence: missense variant.
Genome position (GRCh38, 1-based): chr9:98,808,029, A>G. VCF-style: chr9-98808029-A-G. GRCh37 (hg19) VCF-style: chr9-101570311-A-G.
Other names: short protein forms I111V.
Identifiers: ClinVar variation 823574 (VCV000823574.4), dbSNP rs1487945747, ClinGen allele CA374222995.

ClinVar aggregate classification (germline): Uncertain significance (1 of 4 stars; one submission).

Submission:

Ambry Genetics
Classification: Uncertain significance. Last evaluated: 2018-01-03. Review status: criteria provided, single submitter. Criteria: Ambry Variant Classification Scheme 2023. Collection method: clinical testing. Allele origin: germline.
Comment: The p.I111V variant (also known as c.331A>G), located in coding exon 1 of the GALNT12 gene, results from an A to G substitution at nucleotide position 331. The isoleucine at codon 111 is replaced by valine, an amino acid with highly similar properties. This amino acid position is highly conserved in available vertebrate species. In addition, this alteration is predicted to be tolerated by in silico analysis. Since supporting evidence is limited at this time, the clinical significance of this alteration remains unclear.